The following is an entry in ClinVar:

NM_000262.3(NAGA):c.324+1_324+6del

Genes: NAGA (alpha-N-acetylgalactosaminidase; minus strand), LOC126863160 (CDK7 strongly-dependent group 2 enhancer GRCh37_chr22:42462918-42464117; plus strand). Cytogenetic location: 22q13.2.
Variant type: Deletion.
Coding change: c.324+1_324+6del on transcript NM_000262.3 (MANE Select); the canonical splice donor site of the intron after coding-DNA position 324 through 6 bases into the intron after coding-DNA position 324, 6 bases deleted (GTGAGC; older notation c.324+1_324+6delGTGAGC).
Molecular consequence: splice donor variant.
Genome position (GRCh38, 1-based): chr22:42,067,759-42,067,764, GCTCAC deleted on the plus strand (GTGAGC on the coding strand, the reverse complement: NAGA is on the minus strand); deleting any 6 consecutive bases within chr22:42,067,759-42,067,765 gives the same sequence; the c. name uses the placement nearest the transcript's 3' end. VCF-style (leftmost placement, unchanged base first): chr22-42067758-GGCTCAC-G. GRCh37 (hg19) VCF-style: chr22-42463762-GGCTCAC-G.
Other names: c.324+1_324+6del (NM_001362850.1, NM_001362848.1).
Identifiers: ClinVar variation 5006502 (VCV005006502.2).

ClinVar aggregate classification (germline): Likely pathogenic (1 of 4 stars; one submission).

Conditions:
Alpha-N-acetylgalactosaminidase deficiency type 1. Also called: SCHINDLER DISEASE, TYPE I; ALPHA-N-ACETYLGALACTOSAMINIDASE DEFICIENCY, TYPE I; NAGA DEFICIENCY, TYPE I; NEUROAXONAL DYSTROPHY, SCHINDLER TYPE. Identifiers: Orphanet 3137, Orphanet 79279, Orphanet 79281, MedGen C1836544, MONDO:0012221, OMIM 609241.
Alpha-N-acetylgalactosaminidase deficiency type 2. Also called: ALPHA-N-ACETYLGALACTOSAMINIDASE DEFICIENCY, TYPE II; SCHINDLER DISEASE, TYPE II; NAGA DEFICIENCY, TYPE II. Identifiers: Orphanet 3137, Orphanet 79280, MedGen C1836522, MONDO:0012222, OMIM 609242.

Submission:

Juno Genomics, Hangzhou Juno Genomics, Inc
Classification: Likely pathogenic for Alpha-N-acetylgalactosaminidase deficiency type 2; Alpha-N-acetylgalactosaminidase deficiency type 1. Review status: criteria provided, single submitter. Criteria: ACMG Guidelines, 2015. Collection method: clinical testing. Allele origin: germline.
Comment: Null variant in a gene where loss of function (LOF) is a known mechanism of disease.;Absent from controls (or at extremely low frequency if recessive) in Genome Aggregation Database.